The following is an entry in ClinVar:

NM_006516.4(SLC2A1):c.424_466del (p.Met142fs)

Gene: SLC2A1 (solute carrier family 2 member 1; minus strand). Cytogenetic location: 1p34.2.
Variant type: Deletion.
Coding change: c.424_466del on transcript NM_006516.4 (MANE Select); coding-DNA positions 424 to 466, 43 bases deleted.
Protein change: p.Met142fs; shifts the reading frame from methionine 142.
Molecular consequence: frameshift variant.
Genome position (GRCh38, 1-based): chr1:42,930,676-42,930,718, 43 bases deleted; deleting any 43 consecutive bases within chr1:42,930,676-42,930,722 gives the same sequence; the c. name uses the placement nearest the transcript's 3' end. GRCh37 (hg19): chr1:43,396,351-43,396,393.
Other names: short protein forms M142fs.
Identifiers: ClinVar variation 5000725 (VCV005000725.1).

ClinVar aggregate classification (germline): Likely pathogenic (1 of 4 stars; one submission).

Conditions:
SLC2A1-related disorder. Also called: SLC2A1-related disorders; SLC2A1-related condition.

Submission:

PreventionGenetics, part of Exact Sciences
Classification: Likely pathogenic for SLC2A1-related condition. Last evaluated: 2024-11-27. Review status: criteria provided, single submitter. Criteria: ACMG Guidelines, 2015. Collection method: clinical testing. Allele origin: germline.
Comment: The SLC2A1 c.424_466del43 variant is predicted to result in a frameshift and premature protein termination (p.Met142Trpfs*35). To our knowledge, this variant has not been reported in the literature or in a large population database (gnomAD), indicating this variant is rare. Frameshift variants in SLC2A1 are expected to be pathogenic. This variant is interpreted as likely pathogenic.